The following is an entry in ClinVar:

ClinVar aggregate classification (germline): Uncertain significance. Review status: criteria provided, single submitter (1 of 4 stars). 2 submissions from 2 submitters: Uncertain significance (1). 1 of the submissions does not count toward it. Last evaluated 2024-10-07.

Conditions:
Pyruvate dehydrogenase complex deficiency (PDHC). Also called: PYRUVATE DECARBOXYLASE DEFICIENCY; Pyruvate Dehydrogenase Complex Deficiency Disease; Pyruvate dehydrogenase deficiency; Ataxia with lactic acidosis 1; PDH DEFICIENCY. Identifiers: Orphanet 765, Orphanet 79243, MedGen C0034345, MONDO:0019169.
Pyruvate dehydrogenase E1-beta deficiency (PDHBD). Identifiers: Orphanet 255138, Orphanet 765, MedGen C3279841, MONDO:0013580, OMIM 614111.

Allele frequency attached by ClinVar (database versions not stated): gnomAD 0.00002 and 0.00005; TOPMed 0.00003; ExAC 0.00005; gnomAD exomes 0.00005 and 0.00006; 1000 Genomes Project 30x 0.00016; 1000 Genomes Project 0.00020.
gnomAD v4.1: 77 of 1,613,644 alleles (0.0048%); highest among the groups gnomAD compares: East Asian, 0.17%; no homozygotes.

Submissions (2):

Labcorp Genetics (formerly Invitae), Labcorp
Classification: Uncertain significance for Pyruvate dehydrogenase E1-beta deficiency. Last evaluated: 2024-10-07. Review status: criteria provided, single submitter. Criteria: Invitae Variant Classification Sherloc (09022015). Collection method: clinical testing. Allele origin: germline.
Comment: This sequence change replaces alanine, which is neutral and non-polar, with serine, which is neutral and polar, at codon 281 of the PDHB protein (p.Ala281Ser). This variant is present in population databases (rs148957406, gnomAD 0.09%). This variant has not been reported in the literature in individuals affected with PDHB-related conditions. ClinVar contains an entry for this variant (Variation ID: 991898). Invitae Evidence Modeling of protein sequence and biophysical properties (such as structural, functional, and spatial information, amino acid conservation, physicochemical variation, residue mobility, and thermodynamic stability) indicates that this missense variant is not expected to disrupt PDHB protein function with a negative predictive value of 80%. In summary, the available evidence is currently insufficient to determine the role of this variant in disease. Therefore, it has been classified as a Variant of Uncertain Significance.

Natera, Inc.
Classification: Uncertain significance for Pyruvate decarboxylase deficiency. Last evaluated: 2020-08-14. Review status: no assertion criteria provided. Collection method: clinical testing. Allele origin: germline. Not counted in ClinVar's aggregate classification.

NM_000925.4(PDHB):c.841G>T (p.Ala281Ser)

Gene: PDHB (pyruvate dehydrogenase E1 subunit beta; minus strand). Cytogenetic location: 3p14.3.
Variant type: single nucleotide variant.
Coding change: c.841G>T on transcript NM_000925.4 (MANE Select); coding-DNA position 841, G replaced by T.
Protein change: p.Ala281Ser; replaces alanine 281 with serine.
Molecular consequence: missense variant. On other transcripts: non-coding transcript variant (1).
Genome position (GRCh38, 1-based): chr3:58,428,566, C>A on the plus strand (G>T on the coding strand, the complement: PDHB is on the minus strand). VCF-style: chr3-58428566-C-A. GRCh37 (hg19) VCF-style: chr3-58414293-C-A.
Other names: c.787G>T, p.Ala263Ser (NM_001173468.2, NM_001315536.2); short protein forms A263S, A281S.
Identifiers: ClinVar variation 991898 (VCV000991898.6), dbSNP rs148957406, ClinGen allele CA2471434.
Genomic context (GRCh38, chr3:58,428,566, plus strand): 5'-CTCCAAACTGTGGCCAGCCTCCTTCCACAGTTACAAGATGATTTGTCTTCATGACACTGG[C>A]TTCTATGGTTTCCATGTCCATTGGTCTAATGGTACGCATATTTATCACCTAAACAGGTAA-3'
Protein context (NP_000916.2, residues 271-291): IRPMDMETIE[Ala281Ser]SVMKTNHLVT